The following is an entry in ClinVar:

NM_002872.5(RAC2):c.349C>A (p.Leu117Met)

Gene: RAC2 (Rac family small GTPase 2; minus strand). Cytogenetic location: 22q13.1.
Variant type: single nucleotide variant.
Coding change: c.349C>A on transcript NM_002872.5 (MANE Select); coding-DNA position 349, C replaced by A.
Protein change: p.Leu117Met; replaces leucine 117 with methionine.
Molecular consequence: missense variant.
Genome position (GRCh38, 1-based): chr22:37,231,330, G>T on the plus strand (C>A on the coding strand, the complement: RAC2 is on the minus strand). VCF-style: chr22-37231330-G-T. GRCh37 (hg19) VCF-style: chr22-37627370-G-T.
Other names: short protein forms L117M.
Identifiers: ClinVar variation 2037861 (VCV002037861.4), dbSNP rs1267993600, ClinGen allele CA411443011.

ClinVar aggregate classification (germline): Uncertain significance (1 of 4 stars; one submission).

Conditions:
Neutrophil immunodeficiency syndrome. Also called: Immunodeficiency 73A with defective neutrophil chemotaxis and leukocytosis. Identifiers: Orphanet 183707, MedGen C1842398, MONDO:0011988, OMIM 608203.

Allele frequency attached by ClinVar (database versions not stated): TOPMed below 0.00001; gnomAD 0.00001.
gnomAD v4.1: 1 of 1,614,070 alleles (0.000062%); highest among the groups gnomAD compares: Non-Finnish European, 0.000085%; no homozygotes.

Submission:

Labcorp Genetics (formerly Invitae), Labcorp
Classification: Uncertain significance for Neutrophil immunodeficiency syndrome. Last evaluated: 2024-11-04. Review status: criteria provided, single submitter. Criteria: Invitae Variant Classification Sherloc (09022015). Collection method: clinical testing. Allele origin: germline.
Comment: This sequence change replaces leucine, which is neutral and non-polar, with methionine, which is neutral and non-polar, at codon 117 of the RAC2 protein (p.Leu117Met). This variant is not present in population databases (gnomAD no frequency). This variant has not been reported in the literature in individuals affected with RAC2-related conditions. ClinVar contains an entry for this variant (Variation ID: 2037861). Invitae Evidence Modeling of protein sequence and biophysical properties (such as structural, functional, and spatial information, amino acid conservation, physicochemical variation, residue mobility, and thermodynamic stability) indicates that this missense variant is not expected to disrupt RAC2 protein function with a negative predictive value of 95%. In summary, the available evidence is currently insufficient to determine the role of this variant in disease. Therefore, it has been classified as a Variant of Uncertain Significance.